The following is an entry in ClinVar:

NM_000222.3(KIT):c.182C>T (p.Pro61Leu)

Gene: KIT (KIT proto-oncogene, receptor tyrosine kinase; plus strand). Cytogenetic location: 4q12.
Variant type: single nucleotide variant.
Coding change: c.182C>T on transcript NM_000222.3 (MANE Select); coding-DNA position 182, C replaced by T.
Protein change: p.Pro61Leu; replaces proline 61 with leucine.
Molecular consequence: missense variant.
Genome position (GRCh38, 1-based): chr4:54,695,626, C>T. VCF-style: chr4-54695626-C-T. GRCh37 (hg19) VCF-style: chr4-55561792-C-T.
Other names: c.182C>T, p.Pro61Leu (NM_001093772.2, NM_001385284.1, NM_001385285.1 and 4 more transcripts); short protein forms P61L.
Identifiers: ClinVar variation 409780 (VCV000409780.22), dbSNP rs557317141, ClinGen allele CA2923182.

ClinVar aggregate classification (germline): Conflicting classifications of pathogenicity. Review status: criteria provided, conflicting classifications (1 of 4 stars). 7 submissions from 7 submitters: Uncertain significance (6); Benign (1). Last evaluated 2026-07-28.

Conditions:
KIT-related disorder. Also called: KIT-related condition.
Hereditary cancer-predisposing syndrome. Also called: Neoplastic Syndromes, Hereditary; Tumor predisposition; Hereditary Cancer Syndrome; Hereditary neoplastic syndrome. Identifiers: Orphanet 140162, MedGen C0027672, MeSH D009386, MONDO:0015356.
Ovarian cancer. Also called: OVARIAN CANCER, SOMATIC. Identifiers: Orphanet 213500, MedGen C1140680, MONDO:0008170, OMIM 167000.
Gastrointestinal stromal tumor. Also called: Gastrointestinal stroma tumor; Gastrointestinal stromal tumor, somatic. Identifiers: Orphanet 44890, MedGen C0238198, MeSH D046152, MONDO:0011719, OMIM 606764, HP:0100723.

Allele frequency attached by ClinVar (database versions not stated): gnomAD 0.00003; TOPMed 0.00005.
gnomAD v4.1: 33 of 1,614,044 alleles (0.002%); highest among the groups gnomAD compares: East Asian, 0.0045%; no homozygotes.

Submissions (7):

PreventionGenetics, part of Exact Sciences
Classification: Uncertain significance for KIT-related condition. Last evaluated: 2026-07-28. Review status: criteria provided, single submitter. Criteria: ACMG Guidelines, 2015. Collection method: clinical testing. Allele origin: germline.
Comment: The KIT c.182C>T variant is predicted to result in the amino acid substitution p.Pro61Leu. To our knowledge, this variant has not been reported in the literature. This variant is reported in 0.0065% of alleles in individuals of South Asian descent in gnomAD and has interpretations ranging from uncertain to benign in ClinVar (Variation ID: 409780). At this time, the clinical significance of this variant is uncertain due to the absence of conclusive functional and genetic evidence.

Labcorp Genetics (formerly Invitae), Labcorp
Classification: Uncertain significance for Gastrointestinal stromal tumor. Last evaluated: 2025-12-26. Review status: criteria provided, single submitter. Criteria: Invitae Variant Classification Sherloc (09022015). Collection method: clinical testing. Allele origin: germline.
Comment: This sequence change replaces proline, which is neutral and non-polar, with leucine, which is neutral and non-polar, at codon 61 of the KIT protein (p.Pro61Leu). This variant is present in population databases (rs557317141, gnomAD 0.006%). This variant has not been reported in the literature in individuals affected with KIT-related conditions. ClinVar contains an entry for this variant (Variation ID: 409780). An algorithm developed to predict the effect of missense changes on protein structure and function (PolyPhen-2) suggests that this variant is likely to be tolerated. In summary, the available evidence is currently insufficient to determine the role of this variant in disease. Therefore, it has been classified as a Variant of Uncertain Significance.

Ambry Genetics
Classification: Uncertain significance for Hereditary cancer-predisposing syndrome. Last evaluated: 2025-12-10. Review status: criteria provided, single submitter. Criteria: Ambry Variant Classification Scheme 2023. Collection method: clinical testing. Allele origin: germline.

Dasa
Classification: Uncertain significance. Last evaluated: 2025-05-20. Review status: criteria provided, single submitter. Criteria: DASA Assertion Criteria. Collection method: clinical testing. Allele origin: germline.
Comment: NM_000222.3(KIT):c.182C>T (p.Pro61Leu) is a missense variant that results in the substitution of proline with leucine. This variant is rare in population databases. Computational prediction algorithms are consistent with a benign effect. The currently available literature and clinical evidence are not sufficient to establish a definitive association between this variant and the reported condition. Therefore, this variant is classified as a variant of uncertain significance.

Baylor Genetics
Classification: Uncertain significance for Gastrointestinal stromal tumor. Last evaluated: 2024-03-11. Review status: criteria provided, single submitter. Criteria: ACMG Guidelines, 2015. Collection method: clinical testing. Allele origin: unknown.

GeneDx
Classification: Uncertain significance. Last evaluated: 2023-03-01. Review status: criteria provided, single submitter. Criteria: GeneDx Variant Classification Process June 2021. Collection method: clinical testing. Allele origin: germline. Affected: yes.
Comment: Not observed at significant frequency in large population cohorts (gnomAD); In silico analysis supports that this missense variant has a deleterious effect on protein structure/function; Has not been previously published as pathogenic or benign to our knowledge

Laboratory of Molecular Epidemiology of Birth Defects, West China Second University Hospital, Sichuan University
Classification: Benign for Ovarian cancer. Last evaluated: 2022-01-01. Review status: criteria provided, single submitter. Criteria: ACMG Guidelines, 2015. Collection method: clinical testing. Allele origin: germline. Affected: yes.